The following is an entry in ClinVar:

ClinVar aggregate classification (germline): Benign. Review status: criteria provided, single submitter (1 of 4 stars). 2 submissions from 2 submitters: Benign (1). 1 of the submissions does not count toward it. Last evaluated 2013-07-03.

Conditions:
BRD2-related disorder. Also called: BRD2-related condition.

Allele frequency attached by ClinVar (database versions not stated): ESP Exome Variant Server 0.94048; gnomAD 0.94820 and 0.94998; TOPMed 0.95500; 1000 Genomes Project 30x 0.97970; 1000 Genomes Project 0.97983.

Submissions (2):

Eurofins Ntd Llc (ga)
Classification: Benign. Last evaluated: 2013-07-03. Review status: criteria provided, single submitter. Criteria: EGL Classification Definitions 2015. Collection method: clinical testing. Allele origin: germline. Observed: 1 variant allele, 1 homozygote.

PreventionGenetics, part of Exact Sciences
Classification: Benign for BRD2-related condition. Last evaluated: 2019-10-22. Review status: no assertion criteria provided. Collection method: clinical testing. Allele origin: germline. Not counted in ClinVar's aggregate classification.
Comment: This variant is classified as benign based on ACMG/AMP sequence variant interpretation guidelines (Richards et al. 2015 PMID: 25741868, with internal and published modifications).

NM_005104.4(BRD2):c.1330-4G>C

Gene: BRD2 (bromodomain containing 2; plus strand). Cytogenetic location: 6p21.32.
Variant type: single nucleotide variant.
Coding change: c.1330-4G>C on transcript NM_005104.4 (MANE Select); 4 bases into the intron before coding-DNA position 1330, G replaced by C.
Molecular consequence: intron variant.
Genome position (GRCh38, 1-based): chr6:32,977,753, G>C. VCF-style: chr6-32977753-G-C. GRCh37 (hg19) VCF-style: chr6-32945530-G-C.
Other names: c.970-4G>C (NM_001291986.2); c.1330-4G>C (NM_001113182.3, NM_001199455.1); c.1189-4G>C (NM_001199456.2, NM_001199456.1).
Identifiers: ClinVar variation 95242 (VCV000095242.7), dbSNP rs3097644, ClinGen allele CA3748535.